The following is an entry in ClinVar:

ClinVar aggregate classification (germline): Uncertain significance (1 of 4 stars; one submission).

Conditions:
Polyglucosan body myopathy type 1 (PGBM1). Also called: Polyglucosan body myopathy 1 with or without immunodeficiency; POLYGLUCOSAN BODY MYOPATHY WITHOUT IMMUNODEFICIENCY. Identifiers: Orphanet 329173, Orphanet 397937, MedGen C4014605, MONDO:0014389, OMIM 615895.

Submission:

Labcorp Genetics (formerly Invitae), Labcorp
Classification: Uncertain significance for Polyglucosan body myopathy type 1. Last evaluated: 2021-08-19. Review status: criteria provided, single submitter. Criteria: Invitae Variant Classification Sherloc (09022015). Collection method: clinical testing. Allele origin: germline.
Comment: This sequence change replaces arginine with glutamine at codon 106 of the RBCK1 protein (p.Arg106Gln). The arginine residue is highly conserved and there is a small physicochemical difference between arginine and glutamine. This variant is present in population databases (rs752153553, ExAC 0.006%). This variant has not been reported in the literature in individuals affected with RBCK1-related conditions. Algorithms developed to predict the effect of missense changes on protein structure and function are either unavailable or do not agree on the potential impact of this missense change (SIFT: "Not Available"; PolyPhen-2: "Possibly Damaging"; Align-GVGD: "Not Available"). In summary, the available evidence is currently insufficient to determine the role of this variant in disease. Therefore, it has been classified as a Variant of Uncertain Significance.

NM_031229.4(RBCK1):c.317G>A (p.Arg106Gln)

Gene: RBCK1 (RANBP2-type and C3HC4-type zinc finger containing 1; plus strand). Cytogenetic location: 20p13.
Variant type: single nucleotide variant.
Coding change: c.317G>A on transcript NM_031229.4 (MANE Select); coding-DNA position 317, G replaced by A.
Protein change: p.Arg106Gln; replaces arginine 106 with glutamine.
Molecular consequence: missense variant. On other transcripts: 5 prime UTR variant (2), non-coding transcript variant (1).
Genome position (GRCh38, 1-based): chr20:417,787, G>A. VCF-style: chr20-417787-G-A. GRCh37 (hg19) VCF-style: chr20-398431-G-A.
Other names: c.-33G>A (NM_001323956.2, NM_001323958.2); c.191G>A, p.Arg64Gln (NM_006462.6); short protein forms R106Q, R64Q.
Identifiers: ClinVar variation 1392244 (VCV001392244.3), dbSNP rs752153553, ClinGen allele CA9723046.
Genomic context (GRCh38, chr20:417,787, plus strand): 5'-ACCAGGTTTTTCTGGACTATGGCTTCCCACCAGTCTTGCAGCAGTGGGTGATTGGGCAGC[G>A]GCTGGCACGAGACCAGGAGACCCTGCACTCCCATGGGGTGCGGCAGAATGGGGACAGTGC-3'
Protein context (NP_112506.2, residues 96-116): PVLQQWVIGQ[Arg106Gln]LARDQETLHS